The following is an entry in ClinVar:

ClinVar aggregate classification (germline): Likely pathogenic. Review status: criteria provided, multiple submitters, no conflicts (2 of 4 stars). 2 submissions from 2 submitters: Likely pathogenic (2). Last evaluated 2022-02-08.

Conditions:
Marfan syndrome (MFS). Also called: Marfan syndrome type 1; Marfan's syndrome; FBN1-Related Marfan Syndrome; MARFAN SYNDROME, TYPE I; Marfan syndrome, classic. Identifiers: Orphanet 284963, Orphanet 558, MedGen C0024796, MONDO:0007947, OMIM 154700.
Familial thoracic aortic aneurysm and aortic dissection (TAAD). Also called: Thoracic aortic aneurysms and dissections. Identifiers: Orphanet 91387, MedGen C4707243, MONDO:0019625.

Submissions (2):

Labcorp Genetics (formerly Invitae), Labcorp
Classification: Likely pathogenic for Marfan syndrome; Familial thoracic aortic aneurysm and aortic dissection. Last evaluated: 2022-02-08. Review status: criteria provided, single submitter. Criteria: Invitae Variant Classification Sherloc (09022015). Collection method: clinical testing. Allele origin: germline.
Comment: In summary, the currently available evidence indicates that the variant is pathogenic, but additional data are needed to prove that conclusively. Therefore, this variant has been classified as Likely Pathogenic. Algorithms developed to predict the effect of sequence changes on RNA splicing suggest that this variant may disrupt the consensus splice site. This variant has been observed in individual(s) with Marfan syndrome (PMID: 25907466). This variant is not present in population databases (gnomAD no frequency). This variant results in the deletion of part of exon 52 (c.6314-7_6322del) of the FBN1 gene. It is expected to disrupt RNA splicing. Variants that disrupt the donor or acceptor splice site typically lead to a loss of protein function (PMID: 16199547), and loss-of-function variants in FBN1 are known to be pathogenic (PMID: 17657824, 19293843).

Centre of Medical Genetics, University of Antwerp
Classification: Likely pathogenic for Marfan syndrome. Last evaluated: 2021-03-01. Review status: criteria provided, single submitter. Criteria: Submitter's publication. Collection method: research. Allele origin: unknown. Affected: yes.
Comment: PM2, PS7, PP4

Literature cited by the submitters: PubMed 25907466 (cited by Labcorp Genetics (formerly Invitae), Labcorp); PubMed 16199547 (cited by Labcorp Genetics (formerly Invitae), Labcorp); PubMed 17657824 (cited by Labcorp Genetics (formerly Invitae), Labcorp); PubMed 19293843 (cited by Labcorp Genetics (formerly Invitae), Labcorp).

NM_000138.5(FBN1):c.6314-7_6322del

Gene: FBN1 (fibrillin 1; minus strand). Cytogenetic location: 15q21.1.
Variant type: Deletion.
Coding change: c.6314-7_6322del on transcript NM_000138.5 (MANE Select); 7 bases into the intron before coding-DNA position 6314 through coding-DNA position 6322, 16 bases deleted (ACCACAGAGGCCTTCC).
Molecular consequence: splice acceptor variant.
Genome position (GRCh38, 1-based): chr15:48,437,379-48,437,394, GGAAGGCCTCTGTGGT deleted on the plus strand (ACCACAGAGGCCTTCC on the coding strand, the reverse complement: FBN1 is on the minus strand); deleting any 16 consecutive bases within chr15:48,437,379-48,437,397 gives the same sequence; the c. name uses the placement nearest the transcript's 3' end. VCF-style (leftmost placement, unchanged base first): chr15-48437378-CGGAAGGCCTCTGTGGT-C. GRCh37 (hg19) VCF-style: chr15-48729575-CGGAAGGCCTCTGTGGT-C.
Other names: c.6314-7_6322del (NM_001406716.1, LRG_778t1).
Identifiers: ClinVar variation 1325435 (VCV001325435.7), dbSNP rs2141240946, ClinGen allele CA2573150935.
Genomic context (GRCh38, chr15:48,437,378, plus strand): 5'-TGACCAACTGCTGAATCATCAGGTCCCACGATGATCCCACTTCCATAAGGACATATCTGG[CGGAAGGCCTCTGTGGT>C]GGAGACACTCATTAATAGATAGAACAATAGCAATTCATTACAAGCTTCTCCACAAGTATT-3'